The following is an entry in ClinVar:

ClinVar aggregate classification (germline): Likely benign (1 of 4 stars; one submission).

Submission:

CeGaT Center for Human Genetics Tuebingen
Classification: Likely benign. Last evaluated: 2023-10-01. Review status: criteria provided, single submitter. Criteria: CeGaT Center For Human Genetics Tuebingen Variant Classification Criteria Version 2. Collection method: clinical testing. Allele origin: germline. Affected: yes. Observed: 2 variant alleles.
Comment: ATXN2: BS1

NM_001372574.1(ATXN2):c.57_62del (p.Gln27_Gln28del)

Genes: ATXN2 (ataxin 2; minus strand), LOC130008791 (ATAC-STARR-seq lymphoblastoid silent region 4872; plus strand). Cytogenetic location: 12q24.12.
Variant type: Deletion.
Coding change: c.57_62del on transcript NM_001372574.1 (MANE Select); coding-DNA positions 57 to 62, 6 bases deleted (ACAGCA; older notation c.57_62delACAGCA).
Protein change: p.Gln27_Gln28del.
Molecular consequence: inframe deletion. On other transcripts: non-coding transcript variant (1), intron variant (2).
Genome position (GRCh38, 1-based): chr12:111,598,973-111,598,978, TGCTGT deleted on the plus strand (ACAGCA on the coding strand, the reverse complement: ATXN2 is on the minus strand); deleting any 6 consecutive bases within chr12:111,598,973-111,598,983 gives the same sequence; the c. name uses the placement nearest the transcript's 3' end. VCF-style (leftmost placement, unchanged base first): chr12-111598972-CTGCTGT-C. GRCh37 (hg19) VCF-style: chr12-112036776-CTGCTGT-C.
Other names: c.57_62del, p.Gln27_Gln28del (NM_002973.4); c.-28+597_-28+602del (NM_001310123.1); c.-65+597_-65+602del (NM_001310121.1).
Identifiers: ClinVar variation 2643326 (VCV002643326.24), dbSNP rs772718667, ClinGen allele CA6790975.